The following is an entry in ClinVar:

NM_000520.6(HEXA):c.893A>G (p.Tyr298Cys)

Gene: HEXA (hexosaminidase subunit alpha; minus strand). Cytogenetic location: 15q23.
Variant type: single nucleotide variant.
Coding change: c.893A>G on transcript NM_000520.6 (MANE Select); coding-DNA position 893, A replaced by G.
Protein change: p.Tyr298Cys; replaces tyrosine 298 with cysteine.
Molecular consequence: missense variant. On other transcripts: non-coding transcript variant (1).
Genome position (GRCh38, 1-based): chr15:72,349,172, T>C on the plus strand (A>G on the coding strand, the complement: HEXA is on the minus strand). VCF-style: chr15-72349172-T-C. GRCh37 (hg19) VCF-style: chr15-72641513-T-C.
Other names: c.926A>G, p.Tyr309Cys (NM_001318825.2); short protein forms Y298C, Y309C.
Identifiers: ClinVar variation 1448656 (VCV001448656.5), dbSNP rs1396944040, ClinGen allele CA393062475.

ClinVar aggregate classification (germline): Uncertain significance (1 of 4 stars; one submission).

Conditions:
Tay-Sachs disease (TSD). Also called: HEXA DEFICIENCY; GM2 gangliosidosis, type 1; Hexosaminidase alpha-subunit deficiency (variant B); Sphingolipidosis, Tay-Sachs; HEXA Disorders; Hexosaminidase A Deficiency. Identifiers: Orphanet 845, MedGen C0039373, MONDO:0010100, OMIM 272800.

gnomAD v4.1: 2 of 1,613,570 alleles (0.00012%); highest among the groups gnomAD compares: Non-Finnish European, 0.000085%; no homozygotes.

Submission:

Labcorp Genetics (formerly Invitae), Labcorp
Classification: Uncertain significance for Tay-Sachs disease. Last evaluated: 2022-08-06. Review status: criteria provided, single submitter. Criteria: Invitae Variant Classification Sherloc (09022015). Collection method: clinical testing. Allele origin: germline.
Comment: This sequence change replaces tyrosine, which is neutral and polar, with cysteine, which is neutral and slightly polar, at codon 298 of the HEXA protein (p.Tyr298Cys). This variant is not present in population databases (gnomAD no frequency). This variant has not been reported in the literature in individuals affected with HEXA-related conditions. ClinVar contains an entry for this variant (Variation ID: 1448656). Algorithms developed to predict the effect of missense changes on protein structure and function are either unavailable or do not agree on the potential impact of this missense change (SIFT: "Deleterious"; PolyPhen-2: "Probably Damaging"; Align-GVGD: "Class C0"). Algorithms developed to predict the effect of sequence changes on RNA splicing suggest that this variant may disrupt the consensus splice site. In summary, the available evidence is currently insufficient to determine the role of this variant in disease. Therefore, it has been classified as a Variant of Uncertain Significance.